The following is an entry in ClinVar:

ClinVar aggregate classification (germline): Likely benign (0 of 4 stars; one submission).

Conditions:
CNKSR1-related disorder. Also called: CNKSR1-related condition.

Allele frequency attached by ClinVar (database versions not stated): gnomAD exomes 0.00037; ExAC 0.00138; 1000 Genomes Project 30x 0.00344; 1000 Genomes Project 0.00359; gnomAD 0.00414; TOPMed 0.00455; ESP Exome Variant Server 0.00515.

Submission:

PreventionGenetics, part of Exact Sciences
Classification: Likely benign for CNKSR1-related condition. Last evaluated: 2021-04-29. Review status: no assertion criteria provided. Collection method: clinical testing. Allele origin: germline.
Comment: This variant is classified as likely benign based on ACMG/AMP sequence variant interpretation guidelines (Richards et al. 2015 PMID: 25741868, with internal and published modifications).

NM_006314.3(CNKSR1):c.1492C>T (p.Gln498Ter)

Gene: CNKSR1 (connector enhancer of kinase suppressor of Ras 1; plus strand). Cytogenetic location: 1p36.11.
Variant type: single nucleotide variant.
Coding change: c.1492C>T on transcript NM_006314.3 (MANE Select); coding-DNA position 1492, C replaced by T.
Protein change: p.Gln498Ter; replaces glutamine 498 with a stop codon.
Molecular consequence: nonsense.
Genome position (GRCh38, 1-based): chr1:26,188,271, C>T. VCF-style: chr1-26188271-C-T. GRCh37 (hg19) VCF-style: chr1-26514762-C-T.
Other names: c.1513C>T, p.Gln505Ter (NM_001297647.2); c.718C>T, p.Gln240Ter (NM_001297648.2); short protein forms Q240*, Q498*, Q505*.
Identifiers: ClinVar variation 3044365 (VCV003044365.2), dbSNP rs79038190, ClinGen allele CA700813.